The following is an entry in ClinVar:

ClinVar aggregate classification (germline): Likely benign (1 of 4 stars; one submission).

Submission:

CeGaT Center for Human Genetics Tuebingen
Classification: Likely benign. Last evaluated: 2025-11-01. Review status: criteria provided, single submitter. Criteria: CeGaT Center For Human Genetics Tuebingen Variant Classification Criteria Version 2. Collection method: clinical testing. Allele origin: germline. Affected: yes. Observed: 1 variant allele.
Comment: PRR21: PM2:Supporting, BP4, BP7

NC_000002.12:g.240042248G>A

Gene: PRR21 (proline rich 21; minus strand). Cytogenetic location: 2q37.3.
Variant type: single nucleotide variant.
Genome position: GRCh38 VCF-style: chr2-240042248-G-A. GRCh37 (hg19) VCF-style: chr2-240981665-G-A.
Identifiers: ClinVar variation 4533874 (VCV004533874.6).